The following is an entry in ClinVar:

NM_002230.4(JUP):c.297G>A (p.Ser99=)

Gene: JUP (junction plakoglobin; minus strand). Cytogenetic location: 17q21.2.
Variant type: single nucleotide variant.
Coding change: c.297G>A on transcript NM_002230.4 (MANE Select); coding-DNA position 297, G replaced by A.
Protein change: p.Ser99=; no amino-acid change (serine 99 retained).
Molecular consequence: synonymous variant.
Genome position (GRCh38, 1-based): chr17:41,769,589, C>T on the plus strand (G>A on the coding strand, the complement: JUP is on the minus strand). VCF-style: chr17-41769589-C-T. GRCh37 (hg19) VCF-style: chr17-39925841-C-T.
Other names: c.297G>A, p.Ser99= (NM_001352773.2, NM_001352774.2, NM_001352775.2 and 3 more transcripts); c.297G>A (NM_002230.3).
Identifiers: ClinVar variation 45848 (VCV000045848.65), dbSNP rs200976464, ClinGen allele CA137198.

ClinVar aggregate classification (germline): Conflicting classifications of pathogenicity. Review status: criteria provided, conflicting classifications (1 of 4 stars). 11 submissions from 10 submitters: Uncertain significance (2); Benign (3); Likely benign (6). Last evaluated 2026-01-20.

Conditions:
Cardiovascular phenotype. Identifiers: MedGen CN230736.
Naxos disease (NXD). Also called: CARDIOMYOPATHY, ARRHYTHMOGENIC RIGHT VENTRICULAR, WITH SKIN, HAIR, AND NAIL ABNORMALITIES; KERATOSIS PALMOPLANTARIS WITH ARRHYTHMOGENIC CARDIOMYOPATHY; MAL DE NAXOS; PALMOPLANTAR KERATODERMA WITH ARRHYTHMOGENIC RIGHT VENTRICULAR CARDIOMYOPATHY AND WOOLLY HAIR; WOOLLY HAIR, PALMOPLANTAR KERATODERMA, AND CARDIAC ABNORMALITIES. Identifiers: Orphanet 34217, MedGen C1832600, MONDO:0011017, OMIM 601214.
Arrhythmogenic right ventricular dysplasia 12. Also called: ARRHYTHMOGENIC RIGHT VENTRICULAR DYSPLASIA, FAMILIAL, 12. Identifiers: MedGen C1969081, MONDO:0012684, OMIM 611528.

Allele frequency attached by ClinVar (database versions not stated): TOPMed 0.00044; gnomAD 0.00049 and 0.00052; ESP Exome Variant Server 0.00054; gnomAD exomes 0.00066; ExAC 0.00068.
gnomAD v4.1: 885 of 1,605,758 alleles (0.055%); highest among the groups gnomAD compares: Middle Eastern, 0.17%; no homozygotes.

Submissions (11):

Labcorp Genetics (formerly Invitae), Labcorp
Classification: Benign for Arrhythmogenic right ventricular dysplasia 12; Naxos disease. Last evaluated: 2026-01-20. Review status: criteria provided, single submitter. Criteria: Invitae Variant Classification Sherloc (09022015). Collection method: clinical testing. Allele origin: germline.

Molecular Diagnostic Laboratory for Inherited Cardiovascular Disease, Montreal Heart Institute
Classification: Likely benign. Last evaluated: 2025-04-09. Review status: criteria provided, single submitter. Criteria: ACMG Guidelines, 2015. Collection method: clinical testing. Allele origin: germline. Affected: no.
Comment: BP6;BP7

ARUP Laboratories, Molecular Genetics and Genomics, ARUP Laboratories
Classification: Likely benign. Last evaluated: 2025-04-08. Review status: criteria provided, single submitter. Criteria: ARUP Molecular Germline Variant Investigation Process 2024. Collection method: clinical testing. Allele origin: germline.

Blueprint Genetics
Classification: Likely benign. Last evaluated: 2024-11-27. Review status: criteria provided, single submitter. Criteria: ACMG Guidelines, 2015. Collection method: clinical testing. Allele origin: germline.

Women's Health and Genetics/Laboratory Corporation of America, LabCorp
Classification: Benign. Last evaluated: 2021-10-09. Review status: criteria provided, single submitter. Criteria: LabCorp Variant Classification Summary - May 2015. Collection method: clinical testing. Allele origin: germline.

CeGaT Center for Human Genetics Tuebingen
Classification: Likely benign. Last evaluated: 2020-11-01. Review status: criteria provided, single submitter. Criteria: CeGaT Center For Human Genetics Tuebingen Variant Classification Criteria Version 2. Collection method: clinical testing. Allele origin: germline. Affected: yes. Observed: 1 variant allele.

Illumina Laboratory Services, Illumina
Classification: Uncertain significance for Arrhythmogenic right ventricular dysplasia 12. Last evaluated: 2018-01-13. Review status: criteria provided, single submitter. Criteria: ICSL Variant Classification Criteria 13 December 2019. Collection method: clinical testing. Allele origin: germline.

Illumina Laboratory Services, Illumina
Classification: Uncertain significance for Naxos disease. Last evaluated: 2018-01-13. Review status: criteria provided, single submitter. Criteria: ICSL Variant Classification Criteria 13 December 2019. Collection method: clinical testing. Allele origin: germline.

Ambry Genetics
Classification: Likely benign for Cardiovascular phenotype. Last evaluated: 2016-10-25. Review status: criteria provided, single submitter. Criteria: Ambry Variant Classification Scheme 2023. Collection method: clinical testing. Allele origin: germline.

Laboratory for Molecular Medicine, Mass General Brigham Personalized Medicine
Classification: Likely benign. Last evaluated: 2015-12-04. Review status: criteria provided, single submitter. Criteria: LMM Criteria. Collection method: clinical testing. Allele origin: germline. Observed: 7 variant alleles.
Comment: p.Ser99Ser in exon 3 of JUP: This variant is not expected to have clinical signi ficance because it does not alter an amino acid residue and is not located withi n the splice consensus sequence. It has been identified in 1 individual with ARV C (Cox 2011) who had a second possibly pathogenic variant. It has also been iden tified in 0.1% (9/6588) of Latino chromosomes by the Exome Aggregation Consortiu m (ExAC).

GeneDx
Classification: Benign. Last evaluated: 2015-03-03. Review status: criteria provided, single submitter. Criteria: GeneDx Variant Classification Process June 2021. Collection method: clinical testing. Allele origin: germline. Affected: yes.

Literature cited by the submitters: PubMed 21606396 (cited by Laboratory for Molecular Medicine, Mass General Brigham Personalized Medicine).